The following is an entry in ClinVar:

ClinVar aggregate classification (germline): Benign/Likely benign (0 of 4 stars; one submission).

Submission:

GeneDx
Classification: Benign/Likely benign. Last evaluated: 2011-04-30. Review status: no assertion criteria provided. Collection method: clinical testing. Allele origin: not provided. Affected: yes. Observed: 2 variant alleles.
Comment: Likely benign (1), Benign (1)

GRCh38/hg38 1q42.2(chr1:231579387-231678175)x3

Genes: DISC1 (DISC1 scaffold protein; plus strand), LINC00582 (long intergenic non-protein coding RNA 582; minus strand), TSNAX-DISC1 (TSNAX-DISC1 readthrough (NMD candidate); plus strand), LOC129388776 (MPRA-validated peak764 silencer; plus strand), LOC129388777 (MPRA-validated peak765 silencer; plus strand) and 3 more. Cytogenetic location: 1q42.2.
Variant type: copy number gain.
Change: copy number 3 (three copies instead of two) of chr1:231,579,387-231,678,175 (98.8 kb, GRCh38 coordinates, 1-based), cytogenetic band 1q42.2.
Identifiers: ClinVar variation 152668 (VCV000152668.1).